The following is an entry in ClinVar:

ClinVar aggregate classification (germline): Uncertain significance (1 of 4 stars; one submission).

Allele frequency attached by ClinVar (database versions not stated): ExAC 0.00001; gnomAD 0.00001; gnomAD exomes 0.00002; TOPMed 0.00003.
gnomAD v4.1: 29 of 1,614,070 alleles (0.0018%); highest among the groups gnomAD compares: Non-Finnish European, 0.0022%; no homozygotes.

Submission:

Labcorp Genetics (formerly Invitae), Labcorp
Classification: Uncertain significance. Last evaluated: 2025-09-08. Review status: criteria provided, single submitter. Criteria: Invitae Variant Classification Sherloc (09022015). Collection method: clinical testing. Allele origin: germline.
Comment: This sequence change replaces arginine, which is basic and polar, with serine, which is neutral and polar, at codon 23 of the PSMB4 protein (p.Arg23Ser). This variant is present in population databases (rs761449014, gnomAD 0.002%). This variant has not been reported in the literature in individuals affected with PSMB4-related conditions. ClinVar contains an entry for this variant (Variation ID: 2178995). An algorithm developed to predict the effect of missense changes on protein structure and function (PolyPhen-2) suggests that this variant is likely to be tolerated. In summary, the available evidence is currently insufficient to determine the role of this variant in disease. Therefore, it has been classified as a Variant of Uncertain Significance.

NM_002796.3(PSMB4):c.67C>A (p.Arg23Ser)

Gene: PSMB4 (proteasome 20S subunit beta 4; plus strand). Cytogenetic location: 1q21.3.
Variant type: single nucleotide variant.
Coding change: c.67C>A on transcript NM_002796.3 (MANE Select); coding-DNA position 67, C replaced by A.
Protein change: p.Arg23Ser; replaces arginine 23 with serine.
Molecular consequence: missense variant.
Genome position (GRCh38, 1-based): chr1:151,399,654, C>A. VCF-style: chr1-151399654-C-A. GRCh37 (hg19) VCF-style: chr1-151372130-C-A.
Other names: short protein forms R23S.
Identifiers: ClinVar variation 2178995 (VCV002178995.4), dbSNP rs761449014, ClinGen allele CA1090564.